The following is an entry in ClinVar:

NM_013382.7(POMT2):c.958C>T (p.Gln320Ter)

Gene: POMT2 (protein O-mannosyltransferase 2; minus strand). Cytogenetic location: 14q24.3.
Variant type: single nucleotide variant.
Coding change: c.958C>T on transcript NM_013382.7 (MANE Select); coding-DNA position 958, C replaced by T.
Protein change: p.Gln320Ter; replaces glutamine 320 with a stop codon.
Molecular consequence: nonsense.
Genome position (GRCh38, 1-based): chr14:77,298,737, G>A on the plus strand (C>T on the coding strand, the complement: POMT2 is on the minus strand). VCF-style: chr14-77298737-G-A. GRCh37 (hg19) VCF-style: chr14-77765080-G-A.
Other names: short protein forms Q320*.
Identifiers: ClinVar variation 289683 (VCV000289683.11), dbSNP rs775932206, ClinGen allele CA7286031.

ClinVar aggregate classification (germline): Pathogenic/Likely pathogenic. Review status: criteria provided, multiple submitters, no conflicts (2 of 4 stars). 3 submissions from 3 submitters: Pathogenic (2); Likely pathogenic (1). Last evaluated 2024-05-19.

Conditions:
Muscular dystrophy-dystroglycanopathy (congenital with brain and eye anomalies), type A2. Also called: WALKER-WARBURG SYNDROME OR MUSCLE-EYE-BRAIN DISEASE, POMT2-RELATED; MUSCULAR DYSTROPHY-DYSTROGLYCANOPATHY (CONGENITAL WITH BRAIN AND EYE ANOMALIES), TYPE A, 2. Identifiers: Orphanet 588, Orphanet 899, MedGen C3150411, MONDO:0013154, OMIM 613150.
Muscular dystrophy-dystroglycanopathy (congenital with impaired intellectual development), type B, 2. Also called: Muscular dystrophy-dystroglycanopathy (congenital with intellectual disability), type B2; MUSCULAR DYSTROPHY, CONGENITAL, POMT2-RELATED. Identifiers: MedGen C3150416, MONDO:0013160, OMIM 613156.
Autosomal recessive limb-girdle muscular dystrophy type 2N. Also called: MUSCULAR DYSTROPHY-DYSTROGLYCANOPATHY, LIMB-GIRDLE, POMT2-RELATED; Muscular dystrophy-dystroglycanopathy (limb-girdle), type C, 2. Identifiers: Orphanet 206559, MedGen C3150418, MONDO:0013162, OMIM 613158.

Allele frequency attached by ClinVar (database versions not stated): gnomAD exomes 0.00001; TOPMed below 0.00001; ExAC 0.00002.

Submissions (3):

Labcorp Genetics (formerly Invitae), Labcorp
Classification: Pathogenic for Muscular dystrophy-dystroglycanopathy (congenital with impaired intellectual development), type B, 2; Muscular dystrophy-dystroglycanopathy (congenital with brain and eye anomalies), type A2; Autosomal recessive limb-girdle muscular dystrophy type 2N. Last evaluated: 2024-05-19. Review status: criteria provided, single submitter. Criteria: Invitae Variant Classification Sherloc (09022015). Collection method: clinical testing. Allele origin: germline.
Comment: This sequence change creates a premature translational stop signal (p.Gln320*) in the POMT2 gene. It is expected to result in an absent or disrupted protein product. Loss-of-function variants in POMT2 are known to be pathogenic (PMID: 15894594). This variant is present in population databases (rs775932206, gnomAD 0.01%). This variant has not been reported in the literature in individuals affected with POMT2-related conditions. ClinVar contains an entry for this variant (Variation ID: 289683). For these reasons, this variant has been classified as Pathogenic.

Fulgent Genetics
Classification: Likely pathogenic for Muscular dystrophy-dystroglycanopathy (congenital with brain and eye anomalies), type A2; Muscular dystrophy-dystroglycanopathy (congenital with impaired intellectual development), type B, 2; Autosomal recessive limb-girdle muscular dystrophy type 2N. Last evaluated: 2024-04-03. Review status: criteria provided, single submitter. Criteria: ACMG Guidelines, 2015. Collection method: clinical testing. Allele origin: germline.

Eurofins Ntd Llc (ga)
Classification: Pathogenic. Last evaluated: 2016-07-27. Review status: criteria provided, single submitter. Criteria: EGL Classification Definitions 2015. Collection method: clinical testing. Allele origin: germline. Observed: 1 variant allele, 1 heterozygote.

Literature cited by the submitters: PubMed 15894594 (cited by Labcorp Genetics (formerly Invitae), Labcorp).